The following is an entry in ClinVar:

NM_018417.6(ADCY10):c.1850A>G (p.Lys617Arg)

Gene: ADCY10 (adenylate cyclase 10; minus strand). Cytogenetic location: 1q24.2.
Variant type: single nucleotide variant.
Coding change: c.1850A>G on transcript NM_018417.6 (MANE Select); coding-DNA position 1850, A replaced by G.
Protein change: p.Lys617Arg; replaces lysine 617 with arginine.
Molecular consequence: missense variant.
Genome position (GRCh38, 1-based): chr1:167,859,853, T>C on the plus strand (A>G on the coding strand, the complement: ADCY10 is on the minus strand). VCF-style: chr1-167859853-T-C. GRCh37 (hg19) VCF-style: chr1-167829091-T-C.
Other names: c.1391A>G, p.Lys464Arg (NM_001167749.3); c.1574A>G, p.Lys525Arg (NM_001297772.2); short protein forms K464R, K525R, K617R.
Identifiers: ClinVar variation 3611337 (VCV003611337.2).
Genomic context (GRCh38, chr1:167,859,853, plus strand): 5'-ACAGATGCTCTTACCAGCTTCAAGATCTTCATAAACAATATTTCCAATTGTTTTTGCTTT[T>C]TCAAGGTGCTCATCCTGGAAATCTCCCGAGAAATAGGGAACTGTACAAAGAATTATGAGA-3'
Protein context (NP_060887.2, residues 607-627): SREISRMSTL[Lys617Arg]KQKQLEILFM

ClinVar aggregate classification (germline): Uncertain significance (1 of 4 stars; one submission).

gnomAD v4.1: 23 of 1,613,788 alleles (0.0014%); highest among the groups gnomAD compares: Admixed American, 0.0083%; no homozygotes.

Submission:

Labcorp Genetics (formerly Invitae), Labcorp
Classification: Uncertain significance. Last evaluated: 2025-06-18. Review status: criteria provided, single submitter. Criteria: Invitae Variant Classification Sherloc (09022015). Collection method: clinical testing. Allele origin: germline.
Comment: This sequence change replaces lysine, which is basic and polar, with arginine, which is basic and polar, at codon 617 of the ADCY10 protein (p.Lys617Arg). This variant is present in population databases (rs199992108, gnomAD 0.006%). This variant has not been reported in the literature in individuals affected with ADCY10-related conditions. ClinVar contains an entry for this variant (Variation ID: 3611337). An algorithm developed to predict the effect of missense changes on protein structure and function outputs the following: PolyPhen-2: "Benign". The arginine amino acid residue is found in multiple mammalian species, which suggests that this missense change does not adversely affect protein function. In summary, the available evidence is currently insufficient to determine the role of this variant in disease. Therefore, it has been classified as a Variant of Uncertain Significance.